The following is an entry in ClinVar:

NM_001035.3(RYR2):c.5759A>G (p.His1920Arg)

Gene: RYR2 (ryanodine receptor 2; plus strand). Cytogenetic location: 1q43.
Variant type: single nucleotide variant.
Coding change: c.5759A>G on transcript NM_001035.3 (MANE Select); coding-DNA position 5759, A replaced by G.
Protein change: p.His1920Arg; replaces histidine 1920 with arginine.
Molecular consequence: missense variant.
Genome position (GRCh38, 1-based): chr1:237,617,329, A>G. VCF-style: chr1-237617329-A-G. GRCh37 (hg19) VCF-style: chr1-237780629-A-G.
Other names: short protein forms H1920R.
Identifiers: ClinVar variation 5009283 (VCV005009283.1).

ClinVar aggregate classification (germline): Uncertain significance (1 of 4 stars; one submission).

Submission:

GeneDx
Classification: Uncertain significance. Last evaluated: 2026-03-16. Review status: criteria provided, single submitter. Criteria: GeneDx Variant Classification Process June 2021. Collection method: clinical testing. Allele origin: germline.
Comment: Not observed at significant frequency in large population cohorts (gnomAD); In silico analysis supports that this missense variant has a deleterious effect on protein structure/function; Has not been previously published as pathogenic or benign to our knowledge